The following is an entry in ClinVar:

ClinVar aggregate classification (germline): Benign/Likely benign. Review status: criteria provided, multiple submitters, no conflicts (2 of 4 stars). 7 submissions from 6 submitters: Benign (4); Likely benign (2). 1 of the submissions does not count toward it. Last evaluated 2026-07-01.

Conditions:
Familial cutaneous telangiectasia and oropharyngeal predisposition cancer syndrome. Identifiers: Orphanet 313846, MedGen C3281203, MONDO:0013806, OMIM 614564.
ATR-related disorder. Also called: ATR-related condition.
Seckel syndrome 1 (SCKL1). Also called: MICROCEPHALIC PRIMORDIAL DWARFISM I. Identifiers: Orphanet 808, MedGen C4551474, MONDO:0008869, OMIM 210600.

Allele frequency attached by ClinVar (database versions not stated): gnomAD 0.00029 and 0.00042; TOPMed 0.00097; ExAC 0.00133; gnomAD exomes 0.00138; 1000 Genomes Project 0.00319; 1000 Genomes Project 30x 0.00344.
gnomAD v4.1: 590 of 1,603,434 alleles (0.037%); highest among the groups gnomAD compares: East Asian, 1.2%; 4 homozygotes.

Submissions (7):

CeGaT Center for Human Genetics Tuebingen
Classification: Likely benign. Last evaluated: 2026-07-01. Review status: criteria provided, single submitter. Criteria: CeGaT Center For Human Genetics Tuebingen Variant Classification Criteria Version 2. Collection method: clinical testing. Allele origin: germline. Affected: yes. Observed: 1 variant allele.
Comment: ATR: BS1

Labcorp Genetics (formerly Invitae), Labcorp
Classification: Benign. Last evaluated: 2026-02-03. Review status: criteria provided, single submitter. Criteria: Invitae Variant Classification Sherloc (09022015). Collection method: clinical testing. Allele origin: germline.

Blueprint Genetics
Classification: Likely benign. Last evaluated: 2024-10-22. Review status: criteria provided, single submitter. Criteria: ACMG Guidelines, 2015. Collection method: clinical testing. Allele origin: germline.

Genome-Nilou Lab
Classification: Benign for Seckel syndrome 1. Last evaluated: 2023-02-08. Review status: criteria provided, single submitter. Criteria: ACMG Guidelines, 2015. Collection method: clinical testing. Allele origin: germline.

Genome-Nilou Lab
Classification: Benign for Familial cutaneous telangiectasia and oropharyngeal predisposition cancer syndrome. Last evaluated: 2023-02-08. Review status: criteria provided, single submitter. Criteria: ACMG Guidelines, 2015. Collection method: clinical testing. Allele origin: germline.

Illumina Laboratory Services, Illumina
Classification: Benign for Seckel syndrome 1. Last evaluated: 2018-01-12. Review status: criteria provided, single submitter. Criteria: ICSL Variant Classification Criteria 13 December 2019. Collection method: clinical testing. Allele origin: germline.
Comment: This variant was observed in the ICSL laboratory as part of a predisposition screen in an ostensibly healthy population. It had not been previously curated by ICSL or reported in the Human Gene Mutation Database (HGMD: prior to June 1st, 2018), and was therefore a candidate for classification through an automated scoring system. Utilizing variant allele frequency, disease prevalence and penetrance estimates, and inheritance mode, an automated score was calculated to assess if this variant is too frequent to cause the disease. Based on the score and internal cut-off values, a variant classified as benign is not then subjected to further curation. The score for this variant resulted in a classification of benign for this disease.

PreventionGenetics, part of Exact Sciences
Classification: Benign for ATR-related condition. Last evaluated: 2019-04-29. Review status: no assertion criteria provided. Collection method: clinical testing. Allele origin: germline. Not counted in ClinVar's aggregate classification.
Comment: This variant is classified as benign based on ACMG/AMP sequence variant interpretation guidelines (Richards et al. 2015 PMID: 25741868, with internal and published modifications).

NM_001184.4(ATR):c.325C>T (p.Arg109Trp)

Gene: ATR (ATR checkpoint kinase; minus strand). Cytogenetic location: 3q23.
Variant type: single nucleotide variant.
Coding change: c.325C>T on transcript NM_001184.4 (MANE Select); coding-DNA position 325, C replaced by T.
Protein change: p.Arg109Trp; replaces arginine 109 with tryptophan.
Molecular consequence: missense variant.
Genome position (GRCh38, 1-based): chr3:142,563,077, G>A on the plus strand (C>T on the coding strand, the complement: ATR is on the minus strand). VCF-style: chr3-142563077-G-A. GRCh37 (hg19) VCF-style: chr3-142281919-G-A.
Other names: c.325C>T, p.Arg109Trp (NM_001354579.2); short protein forms R109W.
Identifiers: ClinVar variation 343624 (VCV000343624.20), dbSNP rs146405935, ClinGen allele CA2650784.